The following is an entry in ClinVar:

NM_016239.4(MYO15A):c.5866C>T (p.Arg1956Trp)

Gene: MYO15A (myosin XVA; plus strand). Cytogenetic location: 17p11.2.
Variant type: single nucleotide variant.
Coding change: c.5866C>T on transcript NM_016239.4 (MANE Select); coding-DNA position 5866, C replaced by T.
Protein change: p.Arg1956Trp; replaces arginine 1956 with tryptophan.
Molecular consequence: missense variant.
Genome position (GRCh38, 1-based): chr17:18,142,796, C>T. VCF-style: chr17-18142796-C-T. GRCh37 (hg19) VCF-style: chr17-18046110-C-T.
Other names: short protein forms R1956W.
Identifiers: ClinVar variation 164532 (VCV000164532.30), dbSNP rs185873402, ClinGen allele CA177229.

ClinVar aggregate classification (germline): Conflicting classifications of pathogenicity. Review status: criteria provided, conflicting classifications (1 of 4 stars). 14 submissions from 14 submitters: Uncertain significance (11); Likely benign (1). 2 of the submissions do not count toward it. Last evaluated 2025-07-30.

Conditions:
Autosomal recessive nonsyndromic hearing loss 3. Also called: NEUROSENSORY NONSYNDROMIC RECESSIVE DEAFNESS 3. Identifiers: Orphanet 90636, MedGen C1838263, MONDO:0010860, OMIM 600316.

Allele frequency attached by ClinVar (database versions not stated): 1000 Genomes Project 30x 0.00016; gnomAD 0.00016; 1000 Genomes Project 0.00020; ExAC 0.00021; gnomAD exomes 0.00028; TOPMed 0.00044; ESP Exome Variant Server 0.00065.
gnomAD v4.1: 933 of 1,613,652 alleles (0.058%); highest among the groups gnomAD compares: Non-Finnish European, 0.076%; 1 homozygote.

Submissions (14):

Labcorp Genetics (formerly Invitae), Labcorp
Classification: Likely benign. Last evaluated: 2025-07-30. Review status: criteria provided, single submitter. Criteria: Invitae Variant Classification Sherloc (09022015). Collection method: clinical testing. Allele origin: germline.

GeneDx
Classification: Uncertain significance. Last evaluated: 2025-05-17. Review status: criteria provided, single submitter. Criteria: GeneDx Variant Classification Process June 2021. Collection method: clinical testing. Allele origin: germline. Affected: yes.
Comment: In silico analysis supports that this missense variant has a deleterious effect on protein structure/function; This variant is associated with the following publications: (PMID: 35133174, 26969326, 33879512)

Blueprint Genetics
Classification: Uncertain significance. Last evaluated: 2024-11-26. Review status: criteria provided, single submitter. Criteria: ACMG Guidelines, 2015. Collection method: clinical testing. Allele origin: germline.

Women's Health and Genetics/Laboratory Corporation of America, LabCorp
Classification: Uncertain significance. Last evaluated: 2023-08-07. Review status: criteria provided, single submitter. Criteria: LabCorp Variant Classification Summary - May 2015. Collection method: clinical testing. Allele origin: germline.
Comment: Variant summary: MYO15A c.5866C>T (p.Arg1956Trp) results in a non-conservative amino acid change in the encoded protein sequence. Four of five in-silico tools predict a damaging effect of the variant on protein function. The variant allele was found at a frequency of 0.00028 in 247210 control chromosomes (gnomAD). c.5866C>T has been reported in the literature in at least one compound heterozygous individual affected with Autosomal Recessive Nonsyndromic Hearing (Sloan-Heggen_2016). These data do not allow any conclusion about variant significance. To our knowledge, no experimental evidence demonstrating an impact on protein function has been reported. The following publications have been ascertained in the context of this evaluation (PMID: 33879512, 26969326). Seven ClinVar submitters have assessed the variant since 2014, and all submitters classified the variant as uncertain significance. Based on the evidence outlined above, the variant was classified as uncertain significance.

Fulgent Genetics
Classification: Uncertain significance for Autosomal recessive nonsyndromic hearing loss 3. Last evaluated: 2022-01-04. Review status: criteria provided, single submitter. Criteria: ACMG Guidelines, 2015. Collection method: clinical testing. Allele origin: unknown.

Revvity Omics, Revvity
Classification: Uncertain significance for Autosomal recessive nonsyndromic hearing loss 3. Last evaluated: 2021-08-04. Review status: criteria provided, single submitter. Criteria: ACMG Guidelines, 2015. Collection method: clinical testing. Allele origin: germline.

Dubai Health Genomic Medicine Center, Dubai Health
Classification: Uncertain significance for Autosomal recessive nonsyndromic hearing loss 3. Last evaluated: 2021-02-07. Review status: criteria provided, single submitter. Criteria: ACMG Guidelines, 2015. Collection method: clinical testing. Allele origin: germline. Affected: yes.
Comment: The Arg1956Trp missense variant in MYO15A has been previously reported in the compound heterozygous state with another rare missense variant (p.Ala1548Val) in one individuals with hearing loss (PMID: 26969326). This variant was identified in 65/127198 (0.05% 0 homozygotes) European Non-Finnish alleles in the Genome Aggregation Database (gnomAD). Computational prediction tools and conservation analyses suggest this variant may impact protein function though this information is not predictive enough to confirm pathogenicity. This variant has been interpreted as a variant of uncertain significance by other clinical laboratories (ClinVar ID: 164532). In summary additional information is needed to fully assess the clinical significance of this variant.

Baylor Genetics
Classification: Uncertain significance for Autosomal recessive nonsyndromic hearing loss 3. Last evaluated: 2020-09-22. Review status: criteria provided, single submitter. Criteria: ACMG Guidelines, 2015. Collection method: clinical testing. Allele origin: unknown. Affected: yes.
Comment: This variant was determined to be of uncertain significance according to ACMG Guidelines, 2015 [PMID:25741868].

Illumina Laboratory Services, Illumina
Classification: Uncertain significance for Autosomal recessive nonsyndromic hearing loss 3. Last evaluated: 2018-01-12. Review status: criteria provided, single submitter. Criteria: ICSL Variant Classification Criteria 13 December 2019. Collection method: clinical testing. Allele origin: germline.

Eurofins Ntd Llc (ga)
Classification: Uncertain significance. Last evaluated: 2016-08-25. Review status: criteria provided, single submitter. Criteria: EGL Classification Definitions 2015. Collection method: clinical testing. Allele origin: germline. Observed: 1 variant allele, 1 heterozygote.

Laboratory for Molecular Medicine, Mass General Brigham Personalized Medicine
Classification: Uncertain significance. Last evaluated: 2014-08-05. Review status: criteria provided, single submitter. Criteria: LMM Criteria. Collection method: clinical testing. Allele origin: germline. Observed: 2 variant alleles.
Comment: This variant has been i dentified in 0.096% (8/8340) of European American chromosomes by the NHLBI Exome Sequencing Project and in 0.82% (1/122) of African American chromosomes by the 1000 Genomes Project (dbSNP rs185873402). Alt hough this variant has been seen in the general population, its frequency is not high enough to rule out a pathogenic role. Computational prediction tools and conservation analyses suggest that the Arg1956Trp variant may impact the protein , though this information is not predictive enough to determine pathogenicity. In summary, the clinical significance of the Arg1956Trp variant is uncertain.

Daryl Scott Lab, Baylor College of Medicine
Classification: Uncertain significance for Autosomal recessive nonsyndromic hearing loss 3. Review status: criteria provided, single submitter. Criteria: ACMG Guidelines, 2015. Collection method: clinical testing. Allele origin: paternal. Affected: yes. Observed: 1 compound heterozygote.
Comment: BS2

Clinical Genetics DNA and cytogenetics Diagnostics Lab, Erasmus MC, Erasmus Medical Center
Classification: Uncertain significance. Review status: no assertion criteria provided. Collection method: clinical testing. Allele origin: germline. Affected: yes. Study: VKGL Data-share Consensus. Not counted in ClinVar's aggregate classification.

Joint Genome Diagnostic Labs from Nijmegen and Maastricht, Radboudumc and MUMC+
Classification: Uncertain significance. Review status: no assertion criteria provided. Collection method: clinical testing. Allele origin: germline. Affected: yes. Study: VKGL Data-share Consensus. Not counted in ClinVar's aggregate classification.

Literature cited by the submitters: PubMed 26969326 (cited by Women's Health and Genetics/Laboratory Corporation of America, LabCorp); PubMed 33879512 (cited by Women's Health and Genetics/Laboratory Corporation of America, LabCorp).